The following is an entry in ClinVar:

NM_001206979.2(NR1H4):c.1072A>C (p.Asn358His)

Gene: NR1H4 (nuclear receptor subfamily 1 group H member 4; plus strand). Cytogenetic location: 12q23.1.
Variant type: single nucleotide variant.
Coding change: c.1072A>C on transcript NM_001206979.2 (MANE Select); coding-DNA position 1072, A replaced by C.
Protein change: p.Asn358His; replaces asparagine 358 with histidine.
Molecular consequence: missense variant. On other transcripts: non-coding transcript variant (1).
Genome position (GRCh38, 1-based): chr12:100,540,812, A>C. VCF-style: chr12-100540812-A-C. GRCh37 (hg19) VCF-style: chr12-100934590-A-C.
Other names: p.Asn354His; c.1072A>C, p.Asn358His (NM_001206977.2); c.919A>C, p.Asn307His (NM_001206978.2); c.1090A>C, p.Asn364His (NM_001206992.2); c.1102A>C, p.Asn368His (NM_001206993.2); c.1060A>C, p.Asn354His (NM_005123.4); c.1060A>C (NM_005123.3); short protein forms N354H, N358H, N307H, N368H, N364H.
Identifiers: ClinVar variation 502027 (VCV000502027.16), dbSNP rs149287629, ClinGen allele CA6739398.

ClinVar aggregate classification (germline): Uncertain significance. Review status: criteria provided, multiple submitters, no conflicts (2 of 4 stars). 6 submissions from 6 submitters: Uncertain significance (5). 1 of the submissions does not count toward it. Last evaluated 2024-08-01.

Conditions:
NR1H4-related disorder. Also called: NR1H4-related condition.
Inborn genetic diseases. Identifiers: MedGen C0950123, MeSH D030342.

Allele frequency attached by ClinVar (database versions not stated): ESP Exome Variant Server 0.00023; gnomAD exomes 0.00023 and 0.00041; ExAC 0.00030; TOPMed 0.00034; gnomAD 0.00035 and 0.00036.
gnomAD v4.1: 425 of 1,614,124 alleles (0.026%); highest among the groups gnomAD compares: Middle Eastern, 0.21%; 2 homozygotes.

Submissions (6):

Ambry Genetics
Classification: Uncertain significance for Inborn genetic diseases. Last evaluated: 2024-08-01. Review status: criteria provided, single submitter. Criteria: Ambry Variant Classification Scheme 2023. Collection method: clinical testing. Allele origin: germline.

Labcorp Genetics (formerly Invitae), Labcorp
Classification: Uncertain significance. Last evaluated: 2022-01-31. Review status: criteria provided, single submitter. Criteria: Invitae Variant Classification Sherloc (09022015). Collection method: clinical testing. Allele origin: germline.
Comment: This sequence change replaces asparagine, which is neutral and polar, with histidine, which is basic and polar, at codon 354 of the NR1H4 protein (p.Asn354His). This variant is present in population databases (rs149287629, gnomAD 0.1%). This variant has not been reported in the literature in individuals affected with NR1H4-related conditions. ClinVar contains an entry for this variant (Variation ID: 502027). Algorithms developed to predict the effect of missense changes on protein structure and function are either unavailable or do not agree on the potential impact of this missense change (SIFT: "Deleterious"; PolyPhen-2: "Possibly Damaging"; Align-GVGD: "Class C0"). In summary, the available evidence is currently insufficient to determine the role of this variant in disease. Therefore, it has been classified as a Variant of Uncertain Significance.

Mayo Clinic Laboratories, Mayo Clinic
Classification: Uncertain significance. Last evaluated: 2021-11-23. Review status: criteria provided, single submitter. Criteria: ACMG Guidelines, 2015. Collection method: clinical testing. Allele origin: germline.

Eurofins Ntd Llc (ga)
Classification: Uncertain significance. Last evaluated: 2018-08-17. Review status: criteria provided, single submitter. Criteria: EGL ClinVar v180209 classification definitions. Collection method: clinical testing. Allele origin: germline. Observed: 5 variant alleles, 5 heterozygotes.

Breakthrough Genomics
Classification: Uncertain significance. Review status: criteria provided, single submitter. Criteria: ACMG Guidelines, 2015. Collection method: not provided. Allele origin: germline. Inheritance: Autosomal recessive inheritance. Affected: yes.

PreventionGenetics, part of Exact Sciences
Classification: Uncertain significance for NR1H4-related condition. Last evaluated: 2024-08-07. Review status: no assertion criteria provided. Collection method: clinical testing. Allele origin: germline. Not counted in ClinVar's aggregate classification.
Comment: The NR1H4 c.1060A>C variant is predicted to result in the amino acid substitution p.Asn354His. This variant was reported as a variant of uncertain significance (VUS) in at least one individual with intrahepatic cholestasis of pregnancy (reported as p.Asn358His in Table 3, Zöllner et al. 2023. PubMed ID: 37208429). This variant is reported in 0.099% of alleles in individuals of Latino descent in gnomAD, which may be too common to be a primary cause of disease. While we suspect this variant may be benign, at this time, the clinical significance of this variant is uncertain due to the absence of conclusive functional and genetic evidence.